The following is an entry in ClinVar:

NM_001330078.2(NRXN1):c.28G>A (p.Gly10Ser)

Gene: NRXN1 (neurexin 1; minus strand). Cytogenetic location: 2p16.3.
Variant type: single nucleotide variant.
Coding change: c.28G>A on transcript NM_001330078.2 (MANE Select); coding-DNA position 28, G replaced by A.
Protein change: p.Gly10Ser; replaces glycine 10 with serine.
Molecular consequence: missense variant.
Genome position (GRCh38, 1-based): chr2:51,028,246, C>T on the plus strand (G>A on the coding strand, the complement: NRXN1 is on the minus strand). VCF-style: chr2-51028246-C-T. GRCh37 (hg19) VCF-style: chr2-51255384-C-T.
Other names: c.28G>A, p.Gly10Ser (NM_001135659.3, NM_001330077.2, NM_001330079.2 and 15 more transcripts); short protein forms G10S.
Identifiers: ClinVar variation 453161 (VCV000453161.5), dbSNP rs777530225, ClinGen allele CA1655570.

ClinVar aggregate classification (germline): Uncertain significance. Review status: criteria provided, multiple submitters, no conflicts (2 of 4 stars). 2 submissions from 2 submitters: Uncertain significance (2). Last evaluated 2025-07-28.

Conditions:
Pitt-Hopkins-like syndrome 2 (PTHSL2). Identifiers: Orphanet 221150, Orphanet 600663, MedGen C3280479, MONDO:0013690, OMIM 614325.

Allele frequency attached by ClinVar (database versions not stated): TOPMed below 0.00001; gnomAD 0.00001; gnomAD exomes 0.00007; ExAC 0.00040.
gnomAD v4.1: 30 of 1,464,326 alleles (0.002%); highest among the groups gnomAD compares: East Asian, 0.024%; no homozygotes.

Submissions (2):

Labcorp Genetics (formerly Invitae), Labcorp
Classification: Uncertain significance for Pitt-Hopkins-like syndrome 2. Last evaluated: 2025-07-28. Review status: criteria provided, single submitter. Criteria: Invitae Variant Classification Sherloc (09022015). Collection method: clinical testing. Allele origin: germline.
Comment: This sequence change replaces glycine, which is neutral and non-polar, with serine, which is neutral and polar, at codon 10 of the NRXN1 protein (p.Gly10Ser). This variant is present in population databases (rs777530225, gnomAD 0.05%). This missense change has been observed in individual(s) with clinical features of autosomal recessive Pitt-Hopkins-like syndrome and/or tic disorder (PMID: 31130284, 38880274). ClinVar contains an entry for this variant (Variation ID: 453161). An algorithm developed to predict the effect of missense changes on protein structure and function (PolyPhen-2) suggests that this variant is likely to be disruptive. In summary, the available evidence is currently insufficient to determine the role of this variant in disease. Therefore, it has been classified as a Variant of Uncertain Significance.

GeneDx
Classification: Uncertain significance. Last evaluated: 2017-10-31. Review status: criteria provided, single submitter. Criteria: GeneDx Variant Classification (06012015). Collection method: clinical testing. Allele origin: germline. Affected: yes.
Comment: The G10S variant has not been published as a pathogenic variant, nor has it been reported as a benign variant to our knowledge.This variant is observed in 5/9704 (0.05%) alleles from individuals of East Asian background, in largepopulation cohorts, including 1 homozygous individual undergoing testing at GeneDx (Lek et al.,2016). The G10S variant is a non-conservative amino acid substitution, which is likely to impact secondary protein structure as these residues differ in polarity, charge, size and/or other properties. This substitution occurs at a position where amino acids with similar properties to Glycine are tolerated across species. In silico analysis is inconsistent in its predictions as to whether or not the variant is damaging to the protein structure/function. Therefore, based on the currently availableinformation, it is unclear whether this variant is a pathogenic variant or a rare benign variant.

Literature cited by the submitters: PubMed 31130284 (cited by Labcorp Genetics (formerly Invitae), Labcorp); PubMed 38880274 (cited by Labcorp Genetics (formerly Invitae), Labcorp).